The following is an entry in ClinVar:

NM_015629.4(PRPF31):c.323-2A>G

Genes: PRPF31 (pre-mRNA processing factor 31; plus strand), PRPF31-AS1 (PRPF31 antisense RNA 1; minus strand). Cytogenetic location: 19q13.42.
Variant type: single nucleotide variant.
Coding change: c.323-2A>G on transcript NM_015629.4 (MANE Select); the canonical splice acceptor site of the intron before coding-DNA position 323, A replaced by G.
Molecular consequence: splice acceptor variant.
Genome position (GRCh38, 1-based): chr19:54,122,495, A>G. VCF-style: chr19-54122495-A-G. GRCh37 (hg19) VCF-style: chr19-54625874-A-G.
Identifiers: ClinVar variation 1363584 (VCV001363584.6), dbSNP rs2146413207, ClinGen allele CA407749639.

ClinVar aggregate classification (germline): Pathogenic (1 of 4 stars; one submission).

Submission:

Labcorp Genetics (formerly Invitae), Labcorp
Classification: Pathogenic. Last evaluated: 2021-09-10. Review status: criteria provided, single submitter. Criteria: Invitae Variant Classification Sherloc (09022015). Collection method: clinical testing. Allele origin: germline.
Comment: For these reasons, this variant has been classified as Pathogenic. Studies have shown that disruption of this splice site results in skipping of exon 5 and introduces a premature termination codon (PMID: 16708387). The resulting mRNA is expected to undergo nonsense-mediated decay. Disruption of this splice site has been observed in individuals with retinitis pigmentosa (PMID: 16708387; Invitae). This variant is not present in population databases (ExAC no frequency). This sequence change affects an acceptor splice site in intron 4 of the PRPF31 gene. RNA analysis indicates that disruption of this splice site induces altered splicing and may result in an absent or disrupted protein product.

Literature cited by the submitters: PubMed 16708387.